The following is an entry in ClinVar:

NM_002838.5(PTPRC):c.323A>C (p.His108Pro)

Gene: PTPRC (protein tyrosine phosphatase receptor type C; plus strand). Cytogenetic location: 1q31.3.
Variant type: single nucleotide variant.
Coding change: c.323A>C on transcript NM_002838.5 (MANE Select); coding-DNA position 323, A replaced by C.
Protein change: p.His108Pro; replaces histidine 108 with proline.
Molecular consequence: missense variant. On other transcripts: intron variant (1).
Genome position (GRCh38, 1-based): chr1:198,699,588, A>C. VCF-style: chr1-198699588-A-C. GRCh37 (hg19) VCF-style: chr1-198668717-A-C.
Other names: c.317A>C (NM_002838.3); c.101-3710A>C (NM_080921.4); short protein forms H108P.
Identifiers: ClinVar variation 2272217 (VCV002272217.7), dbSNP rs777950017, ClinGen allele CA1314462.

ClinVar aggregate classification (germline): Uncertain significance. Review status: criteria provided, multiple submitters, no conflicts (2 of 4 stars). 2 submissions from 2 submitters: Uncertain significance (2). Last evaluated 2022-03-04.

Conditions:
Immunodeficiency 104. Also called: Severe combined immunodeficiency, autosomal recessive, T cell-negative, B cell-positive, NK cell-positive; IMMUNODEFICIENCY 104, SEVERE COMBINED; SCID, AUTOSOMAL RECESSIVE, T CELL-NEGATIVE, B CELL-POSITIVE, NK CELL-POSITIVE; Severe Combined Immune Deficiency, Autosomal Recessive, TCell -Negative, B Cell-Positive, NK Cell-Positive, IL7R-Related. Identifiers: MedGen C5676890, MONDO:0012163, OMIM 608971.
Inborn genetic diseases. Identifiers: MedGen C0950123, MeSH D030342.

Allele frequency attached by ClinVar (database versions not stated): gnomAD 0.00001; gnomAD exomes 0.00001; TOPMed 0.00002; ExAC 0.00003.
gnomAD v4.1: 20 of 1,614,076 alleles (0.0012%); highest among the groups gnomAD compares: Admixed American, 0.03%; no homozygotes.

Submissions (2):

Labcorp Genetics (formerly Invitae), Labcorp
Classification: Uncertain significance for Immunodeficiency 104. Last evaluated: 2022-03-04. Review status: criteria provided, single submitter. Criteria: Invitae Variant Classification Sherloc (09022015). Collection method: clinical testing. Allele origin: germline.
Comment: This sequence change replaces histidine, which is basic and polar, with proline, which is neutral and non-polar, at codon 108 of the PTPRC protein (p.His108Pro). This variant is present in population databases (rs777950017, gnomAD 0.04%). This variant has not been reported in the literature in individuals affected with PTPRC-related conditions. Algorithms developed to predict the effect of missense changes on protein structure and function output the following: SIFT: "Tolerated"; PolyPhen-2: "Benign"; Align-GVGD: "Class C0". The proline amino acid residue is found in multiple mammalian species, which suggests that this missense change does not adversely affect protein function. In summary, the available evidence is currently insufficient to determine the role of this variant in disease. Therefore, it has been classified as a Variant of Uncertain Significance.

Ambry Genetics
Classification: Uncertain significance for Inborn genetic diseases. Last evaluated: 2022-01-19. Review status: criteria provided, single submitter. Criteria: Ambry Variant Classification Scheme 2023. Collection method: clinical testing. Allele origin: germline.